The following is an entry in ClinVar:

ClinVar aggregate classification (germline): Uncertain significance (1 of 4 stars; one submission).

Submission:

Dasa
Classification: Uncertain significance. Last evaluated: 2025-06-21. Review status: criteria provided, single submitter. Criteria: DASA Assertion Criteria. Collection method: clinical testing. Allele origin: germline.
Comment: NM_015137.6(EFR3A):c.1575+1G>C affects a canonical splice site and is predicted to disrupt normal RNA splicing. This variant is absent from population databases. The currently available literature and clinical evidence are not sufficient to establish a definitive association between this variant and the reported condition. Therefore, this variant is classified as a variant of uncertain significance.

NM_015137.6(EFR3A):c.1575+1G>C

Gene: EFR3A (EFR3 homolog A; plus strand). Cytogenetic location: 8q24.22.
Variant type: single nucleotide variant.
Coding change: c.1575+1G>C on transcript NM_015137.6 (MANE Select); the canonical splice donor site of the intron after coding-DNA position 1575, G replaced by C.
Molecular consequence: splice donor variant.
Genome position (GRCh38, 1-based): chr8:131,979,422, G>C. VCF-style: chr8-131979422-G-C. GRCh37 (hg19) VCF-style: chr8-132991669-G-C.
Other names: c.1467+1G>C (NM_001323554.2, NM_001323553.2, NM_001323557.2 and 2 more transcripts); c.1575+1G>C (NM_001323558.2).
Identifiers: ClinVar variation 4885061 (VCV004885061.2).